The following is an entry in ClinVar:

NM_201596.3(CACNB2):c.214-839_214-837del

Gene: CACNB2 (calcium voltage-gated channel auxiliary subunit beta 2; plus strand). Cytogenetic location: 10p12.31.
Variant type: Microsatellite.
Coding change: c.214-839_214-837del on transcript NM_201596.3 (MANE Select); 839 bases into the intron before coding-DNA position 214 through 837 bases into the intron before coding-DNA position 214, 3 bases deleted (GAA; older notation c.214-839_214-837delGAA).
Molecular consequence: intron variant. On other transcripts: inframe deletion (1).
Genome position (GRCh38, 1-based): chr10:18,401,085-18,401,087, GAA deleted; deleting any 3 consecutive bases within chr10:18,401,082-18,401,087 gives the same sequence; the c. name uses the placement nearest the transcript's 3' end. VCF-style (leftmost placement, unchanged base first): chr10-18401081-TGAA-T. GRCh37 (hg19) VCF-style: chr10-18690010-TGAA-T.
Other names: c.51GAA[1], p.Lys18del (NM_201570.3); c.130-839_130-837del (NM_201571.4, NM_001167945.2, NM_201572.4); c.214-839_214-837del (NM_201593.3, NM_201597.3); c.49-839_49-837del (NM_000724.4, NM_001330060.2); c.52-839_52-837del (NM_201590.3); short protein forms K18del.
Identifiers: ClinVar variation 191430 (VCV000191430.1), dbSNP rs786205265, ClinGen allele CA236644.

ClinVar aggregate classification (germline): Uncertain significance (1 of 4 stars; one submission).

Submission:

Biesecker Lab/Clinical Genomics Section, National Institutes of Health
Classification: Uncertain significance. Last evaluated: 2013-06-24. Review status: criteria provided, single submitter. Criteria: Ng et al. (Circ Cardiovasc Genet. 2013). Collection method: research. Allele origin: unknown. Observed: 1 variant allele. Study: ClinSeq.
Comment: The study set was not selected for affection status in relation to any cancer. Pathogenicity categories were based on literature curation. See Pubmed ID:23861362 for details.

Medical sequencing